The following is an entry in ClinVar:

NM_001429.4(EP300):c.2351C>T (p.Pro784Leu)

Gene: EP300 (EP300 lysine acetyltransferase; plus strand). Cytogenetic location: 22q13.2.
Variant type: single nucleotide variant.
Coding change: c.2351C>T on transcript NM_001429.4 (MANE Select); coding-DNA position 2351, C replaced by T.
Protein change: p.Pro784Leu; replaces proline 784 with leucine.
Molecular consequence: missense variant.
Genome position (GRCh38, 1-based): chr22:41,149,147, C>T. VCF-style: chr22-41149147-C-T. GRCh37 (hg19) VCF-style: chr22-41545151-C-T.
Other names: c.2273C>T, p.Pro758Leu (NM_001362843.2); short protein forms P758L, P784L.
Identifiers: ClinVar variation 803697 (VCV000803697.35), dbSNP rs201480900, ClinGen allele CA10252840.

ClinVar aggregate classification (germline): Benign/Likely benign. Review status: criteria provided, multiple submitters, no conflicts (2 of 4 stars). 7 submissions from 7 submitters: Benign (1); Likely benign (5). 1 of the submissions does not count toward it. Last evaluated 2025-10-24.

Conditions:
Rubinstein-Taybi syndrome due to CREBBP mutations (RSTS1). Also called: RUBINSTEIN SYNDROME; CREBBP-Related Rubinstein-Taybi Syndrome; Rubinstein-Taybi syndrome 1; BROAD THUMBS AND GREAT TOES, CHARACTERISTIC FACIES, AND IMPAIRED INTELLECTUAL DEVELOPMENT; RUBINSTEIN-TAYBI SYNDROME 1, INCOMPLETE; BROAD THUMB-HALLUX SYNDROME. Identifiers: Orphanet 353277, Orphanet 783, MedGen C4551859, MONDO:0008393, OMIM 180849.
EP300-related disorder. Also called: EP300-related condition; EP300-related disorders.
Rubinstein-Taybi syndrome due to EP300 haploinsufficiency. Also called: EP300-Related Rubinstein-Taybi Syndrome; RUBINSTEIN-TAYBI SYNDROME 2. Identifiers: Orphanet 353284, Orphanet 783, MedGen C3150941, MONDO:0013364, OMIM 613684.

Allele frequency attached by ClinVar (database versions not stated): gnomAD 0.00011 and 0.00013; gnomAD exomes 0.00012 and 0.00018; ESP Exome Variant Server 0.00015; 1000 Genomes Project 30x 0.00016; TOPMed 0.00017; ExAC 0.00018; 1000 Genomes Project 0.00020.
gnomAD v4.1: 283 of 1,613,972 alleles (0.018%); highest among the groups gnomAD compares: Non-Finnish European, 0.022%; no homozygotes.

Submissions (7):

Labcorp Genetics (formerly Invitae), Labcorp
Classification: Benign for Rubinstein-Taybi syndrome due to EP300 haploinsufficiency. Last evaluated: 2025-10-24. Review status: criteria provided, single submitter. Criteria: Invitae Variant Classification Sherloc (09022015). Collection method: clinical testing. Allele origin: germline.

Blueprint Genetics
Classification: Likely benign. Last evaluated: 2024-10-02. Review status: criteria provided, single submitter. Criteria: ACMG Guidelines, 2015. Collection method: clinical testing. Allele origin: germline.

CeGaT Center for Human Genetics Tuebingen
Classification: Likely benign. Last evaluated: 2023-10-01. Review status: criteria provided, single submitter. Criteria: CeGaT Center For Human Genetics Tuebingen Variant Classification Criteria Version 2. Collection method: clinical testing. Allele origin: germline. Affected: yes. Observed: 2 variant alleles.
Comment: EP300: BP4

GeneDx
Classification: Likely benign. Last evaluated: 2020-10-11. Review status: criteria provided, single submitter. Criteria: GeneDx Variant Classification Process June 2021. Collection method: clinical testing. Allele origin: germline. Affected: yes.

Mendelics
Classification: Likely benign for Rubinstein-Taybi syndrome due to CREBBP mutations. Last evaluated: 2019-05-28. Review status: criteria provided, single submitter. Criteria: Mendelics Assertion Criteria 2017. Collection method: clinical testing. Allele origin: unknown.

Breakthrough Genomics
Classification: Likely benign. Review status: criteria provided, single submitter. Criteria: ACMG Guidelines, 2015. Collection method: not provided. Allele origin: germline. Inheritance: Autosomal dominant inheritance. Affected: yes.

PreventionGenetics, part of Exact Sciences
Classification: Likely benign for EP300-related condition. Last evaluated: 2022-04-14. Review status: no assertion criteria provided. Collection method: clinical testing. Allele origin: germline. Not counted in ClinVar's aggregate classification.
Comment: This variant is classified as likely benign based on ACMG/AMP sequence variant interpretation guidelines (Richards et al. 2015 PMID: 25741868, with internal and published modifications).